The following is an entry in ClinVar:

NM_001283009.2(RTEL1):c.3856T>G (p.Ser1286Ala)

Genes: RTEL1 (regulator of telomere elongation helicase 1; plus strand), RTEL1-TNFRSF6B (RTEL1-TNFRSF6B readthrough (NMD candidate); plus strand). Cytogenetic location: 20q13.33.
Variant type: single nucleotide variant.
Coding change: c.3856T>G on transcript NM_001283009.2 (MANE Select); coding-DNA position 3856, T replaced by G.
Protein change: p.Ser1286Ala; replaces serine 1286 with alanine.
Molecular consequence: missense variant. On other transcripts: non-coding transcript variant (1), 3 prime UTR variant (3).
Genome position (GRCh38, 1-based): chr20:63,695,811, T>G. VCF-style: chr20-63695811-T-G. GRCh37 (hg19) VCF-style: chr20-62327164-T-G.
Other names: c.*26T>G (NM_001283010.1, NM_016434.4, NM_032957.5); short protein forms S1286A.
Identifiers: ClinVar variation 4863568 (VCV004863568.1).

ClinVar aggregate classification (germline): Uncertain significance (1 of 4 stars; one submission).

Conditions:
Inborn genetic diseases. Identifiers: MedGen C0950123, MeSH D030342.

gnomAD v4.1: 1 of 1,600,434 alleles (0.000062%); highest among the groups gnomAD compares: South Asian, 0.0011%; no homozygotes.

Submission:

Ambry Genetics
Classification: Uncertain significance for Inborn genetic diseases. Last evaluated: 2026-04-22. Review status: criteria provided, single submitter. Criteria: Ambry Variant Classification Scheme 2023. Collection method: clinical testing. Allele origin: germline.
Comment: The p.S1286A variant (also known as c.3856T>G), located in coding exon 34 of the RTEL1 gene, results from a T to G substitution at nucleotide position 3856. The serine at codon 1286 is replaced by alanine, an amino acid with similar properties. This amino acid position is conserved. In addition, this alteration is predicted to be tolerated by in silico analysis. Based on the available evidence, the clinical significance of this variant remains unclear.